The following is an entry in ClinVar:

NM_024741.3(ZNF408):c.1829C>T (p.Pro610Leu)

Gene: ZNF408 (zinc finger protein 408; plus strand). Cytogenetic location: 11p11.2.
Variant type: single nucleotide variant.
Coding change: c.1829C>T on transcript NM_024741.3 (MANE Select); coding-DNA position 1829, C replaced by T.
Protein change: p.Pro610Leu; replaces proline 610 with leucine.
Molecular consequence: missense variant.
Genome position (GRCh38, 1-based): chr11:46,705,529, C>T. VCF-style: chr11-46705529-C-T. GRCh37 (hg19) VCF-style: chr11-46727079-C-T.
Other names: c.1805C>T, p.Pro602Leu (NM_001184751.2); short protein forms P610L, P602L.
Identifiers: ClinVar variation 2863572 (VCV002863572.3), dbSNP rs2502797024, ClinGen allele CA380257619.
Genomic context (GRCh38, chr11:46,705,529, plus strand): 5'-TGGCCACCAAGCTGCGGCGCCACCTCAAATCTCACTTGGAGGACAAGCCCTACCGCTGCC[C>T]CACCTGTGGCATGGGCTACACCCTCCCGCAGAGCCTCAGGCGGCATCAGCTCAGTCACCG-3'
Protein context (NP_079017.1, residues 600-620): SHLEDKPYRC[Pro610Leu]TCGMGYTLPQ

ClinVar aggregate classification (germline): Uncertain significance (1 of 4 stars; one submission).

Submission:

Labcorp Genetics (formerly Invitae), Labcorp
Classification: Uncertain significance. Last evaluated: 2023-05-12. Review status: criteria provided, single submitter. Criteria: Invitae Variant Classification Sherloc (09022015). Collection method: clinical testing. Allele origin: germline.
Comment: In summary, the available evidence is currently insufficient to determine the role of this variant in disease. Therefore, it has been classified as a Variant of Uncertain Significance. An algorithm developed to predict the effect of missense changes on protein structure and function (PolyPhen-2) suggests that this variant is likely to be disruptive. This variant has not been reported in the literature in individuals affected with ZNF408-related conditions. This variant is not present in population databases (gnomAD no frequency). This sequence change replaces proline, which is neutral and non-polar, with leucine, which is neutral and non-polar, at codon 610 of the ZNF408 protein (p.Pro610Leu).